The following is an entry in ClinVar:

NM_001042603.3(KDM5A):c.2151-13_2151-5dup

Gene: KDM5A (lysine demethylase 5A; minus strand). Cytogenetic location: 12p13.33.
Variant type: Duplication.
Coding change: c.2151-13_2151-5dup on transcript NM_001042603.3 (MANE Select); 13 bases into the intron before coding-DNA position 2151 through 5 bases into the intron before coding-DNA position 2151, 9 bases duplicated (TTTTTTTTT; older notation c.2151-13_2151-5dupTTTTTTTTT).
Molecular consequence: intron variant.
Genome position (GRCh38, 1-based): chr12:323,211-323,219, AAAAAAAAA duplicated on the plus strand (TTTTTTTTT on the coding strand, the reverse complement: KDM5A is on the minus strand); duplicating any 9 consecutive bases within chr12:323,211-323,239 gives the same sequence; the c. name uses the placement nearest the transcript's 3' end. VCF-style (leftmost placement, unchanged base first): chr12-323210-C-CAAAAAAAAA. GRCh37 (hg19) VCF-style: chr12-432376-C-CAAAAAAAAA.
Identifiers: ClinVar variation 4914911 (VCV004914911.2).
Genomic context (GRCh38, chr12:323,210, plus strand): 5'-GCCCTGACTTTTACACCATATAGCAGAGAAGGGAGGTCTTCTAATGGGTAGCGATATCTA[C>CAAAAAAAAA]AAAAAAAAAAAAAAAAAAAAAAAAAAAAAGAAAACAGAAATAAAAACCTCAAAAACCAAC-3'

ClinVar aggregate classification (germline): Benign/Likely benign. Review status: criteria provided, multiple submitters, no conflicts (2 of 4 stars). 2 submissions from 2 submitters: Benign (1); Likely benign (1). Last evaluated 2026-07-01.

Submissions (2):

CeGaT Center for Human Genetics Tuebingen
Classification: Benign. Last evaluated: 2026-07-01. Review status: criteria provided, single submitter. Criteria: CeGaT Center For Human Genetics Tuebingen Variant Classification Criteria Version 2. Collection method: clinical testing. Allele origin: germline. Affected: yes. Observed: 1 variant allele.
Comment: KDM5A: BP4, BS1, BS2

Blueprint Genetics
Classification: Likely benign. Last evaluated: 2024-11-21. Review status: criteria provided, single submitter. Criteria: ACMG Guidelines, 2015. Collection method: clinical testing. Allele origin: germline.